The following is an entry in ClinVar:

ClinVar aggregate classification (germline): Uncertain significance (0 of 4 stars; one submission).

Conditions:
PCNT-related disorder. Also called: PCNT-related condition.

gnomAD v4.1: 1 of 1,613,902 alleles (0.000062%); highest among the groups gnomAD compares: South Asian, 0.0011%; no homozygotes.

Submission:

PreventionGenetics, part of Exact Sciences
Classification: Uncertain significance for PCNT-related condition. Last evaluated: 2024-04-02. Review status: no assertion criteria provided. Collection method: clinical testing. Allele origin: germline.
Comment: The PCNT c.4621G>T variant is predicted to result in the amino acid substitution p.Asp1541Tyr. To our knowledge, this variant has not been reported in the literature or in a large population database, indicating this variant is rare. At this time, the clinical significance of this variant is uncertain due to the absence of conclusive functional and genetic evidence.

NM_006031.6(PCNT):c.4621G>T (p.Asp1541Tyr)

Gene: PCNT (pericentrin; plus strand). Cytogenetic location: 21q22.3.
Variant type: single nucleotide variant.
Coding change: c.4621G>T on transcript NM_006031.6 (MANE Select); coding-DNA position 4621, G replaced by T.
Protein change: p.Asp1541Tyr; replaces aspartic acid 1541 with tyrosine.
Molecular consequence: missense variant.
Genome position (GRCh38, 1-based): chr21:46,399,626, G>T. VCF-style: chr21-46399626-G-T. GRCh37 (hg19) VCF-style: chr21-47819540-G-T.
Other names: c.4267G>T, p.Asp1423Tyr (NM_001315529.2); short protein forms D1423Y, D1541Y.
Identifiers: ClinVar variation 3346789 (VCV003346789.1).